The following is an entry in ClinVar:

ClinVar aggregate classification (germline): Likely pathogenic (1 of 4 stars; one submission).

Submission:

Broad Center for Mendelian Genomics, Broad Institute of MIT and Harvard
Classification: Likely pathogenic. Last evaluated: 2019-02-07. Review status: criteria provided, single submitter. Criteria: ACMG Guidelines, 2015. Collection method: research. Allele origin: de novo. Inheritance: Autosomal dominant inheritance. Affected: yes.
Comment: Trio exome analysis showed this variant to be de novo. The p.Ser754* variant in KMT2E has not been previously reported in individuals with developmental delay and was absent from large population studies. This nonsense variant leads to a premature termination codon at position 754 which is predicted to lead to a truncated or absent protein. This alteration is then predicted to lead to a truncated or absent protein. It is of note, that loss of function of the KMT2E gene in autosomal dominant disease has not yet been established based on the criteria laid out in Tayoun, 2018 (PMID: 30192042). In summary, although additional studies are required to fully establish its clinical significance, this variant is likely pathogenic.

NM_182931.3(KMT2E):c.2261del (p.Leu753_Ser754insTer)

Gene: KMT2E (lysine methyltransferase 2E (inactive); plus strand). Cytogenetic location: 7q22.3.
Variant type: Deletion.
Coding change: c.2261del on transcript NM_182931.3 (MANE Select); coding-DNA position 2261, one base deleted (C; older notation c.2261delC).
Protein change: p.Leu753_Ser754insTer.
Molecular consequence: nonsense.
Genome position (GRCh38, 1-based): chr7:105,105,503, C deleted. VCF-style (leftmost placement, unchanged base first): chr7-105105502-TC-T. GRCh37 (hg19) VCF-style: chr7-104745949-TC-T.
Other names: c.2261del, p.Leu753_Ser754insTer (NM_018682.4).
Identifiers: ClinVar variation 805904 (VCV000805904.2), dbSNP rs1584802161, ClinGen allele CA913184803.